The following is an entry in ClinVar:

ClinVar aggregate classification (germline): Uncertain significance (1 of 4 stars; one submission).

Submission:

GeneDx
Classification: Uncertain significance. Last evaluated: 2025-05-13. Review status: criteria provided, single submitter. Criteria: GeneDx Variant Classification Process June 2021. Collection method: clinical testing. Allele origin: germline. Affected: yes.
Comment: Not observed at significant frequency in large population cohorts (gnomAD); In silico analysis supports that this missense variant has a deleterious effect on protein structure/function; Has not been previously published as pathogenic or benign to our knowledge; Also known as 3354A>G; This variant is associated with the following publications: (PMID: 15343273)

NM_007294.4(BRCA1):c.3235A>G (p.Lys1079Glu)

Genes: BRCA1 (BRCA1 DNA repair associated; minus strand), LOC126862571 (BRD4-independent group 4 enhancer GRCh37_chr17:41243136-41244335; plus strand). Cytogenetic location: 17q21.31.
Variant type: single nucleotide variant.
Coding change: c.3235A>G on transcript NM_007294.4 (MANE Select); coding-DNA position 3235, A replaced by G.
Protein change: p.Lys1079Glu; replaces lysine 1079 with glutamic acid.
Molecular consequence: missense variant. On other transcripts: intron variant (137).
Genome position (GRCh38, 1-based): chr17:43,092,296, T>C on the plus strand (A>G on the coding strand, the complement: BRCA1 is on the minus strand). VCF-style: chr17-43092296-T-C. GRCh37 (hg19) VCF-style: chr17-41244313-T-C.
Other names: c.3022A>G, p.Lys1008Glu (NM_001407571.1, NM_001407853.1, NM_001407894.1 and 9 more transcripts); c.3235A>G, p.Lys1079Glu (NM_001407581.1, NM_001407582.1, NM_001407583.1 and 30 more transcripts); c.3232A>G, p.Lys1078Glu (NM_001407587.1, NM_001407590.1, NM_001407591.1 and 22 more transcripts); c.2971A>G, p.Lys991Glu (NM_001407924.1, NM_001407925.1, NM_001407926.1 and 9 more transcripts); c.2968A>G, p.Lys990Glu (NM_001407930.1, NM_001407931.1, NM_001407932.1 and 2 more transcripts); c.3112A>G, p.Lys1038Glu (NM_001407937.1, NM_001407938.1, NM_001407939.1 and 19 more transcripts); c.3109A>G, p.Lys1037Glu (NM_001407940.1, NM_001407941.1, NM_001407649.1 and 11 more transcripts); c.3094A>G, p.Lys1032Glu (NM_001407942.1, NM_001407944.1, NM_001407945.1 and 29 more transcripts); and 41 more; short protein forms K1008E, K1009E, K1011E, K1012E, K1031E, K1032E, K1037E, K1038E.
Identifiers: ClinVar variation 4529920 (VCV004529920.1).